The following is an entry in ClinVar:

NM_194248.3(OTOF):c.3848T>C (p.Met1283Thr)

Gene: OTOF (otoferlin; minus strand). Cytogenetic location: 2p23.3.
Variant type: single nucleotide variant.
Coding change: c.3848T>C on transcript NM_194248.3 (MANE Select); coding-DNA position 3848, T replaced by C.
Protein change: p.Met1283Thr; replaces methionine 1283 with threonine.
Molecular consequence: missense variant.
Genome position (GRCh38, 1-based): chr2:26,472,535, A>G on the plus strand (T>C on the coding strand, the complement: OTOF is on the minus strand). VCF-style: chr2-26472535-A-G. GRCh37 (hg19) VCF-style: chr2-26695403-A-G.
Other names: c.3848T>C, p.Met1283Thr (NM_001287489.2); c.1547T>C, p.Met516Thr (NM_004802.4, NM_194323.3); c.1778T>C, p.Met593Thr (NM_194322.3); short protein forms M516T, M1283T, M593T.
Identifiers: ClinVar variation 2086997 (VCV002086997.1), dbSNP rs1665039198, ClinGen allele CA346102553.

ClinVar aggregate classification (germline): Uncertain significance (1 of 4 stars; one submission).

Allele frequency attached by ClinVar (database versions not stated): TOPMed 0.00001.

Submission:

Labcorp Genetics (formerly Invitae), Labcorp
Classification: Uncertain significance. Last evaluated: 2022-01-22. Review status: criteria provided, single submitter. Criteria: Invitae Variant Classification Sherloc (09022015). Collection method: clinical testing. Allele origin: germline.
Comment: This sequence change replaces methionine, which is neutral and non-polar, with threonine, which is neutral and polar, at codon 1283 of the OTOF protein (p.Met1283Thr). This variant is not present in population databases (gnomAD no frequency). This variant has not been reported in the literature in individuals affected with OTOF-related conditions. Algorithms developed to predict the effect of missense changes on protein structure and function are either unavailable or do not agree on the potential impact of this missense change (SIFT: "Deleterious"; PolyPhen-2: "Benign"; Align-GVGD: "Class C25"). In summary, the available evidence is currently insufficient to determine the role of this variant in disease. Therefore, it has been classified as a Variant of Uncertain Significance.